The following is an entry in ClinVar:

ClinVar aggregate classification (germline): Pathogenic (1 of 4 stars; one submission).

Conditions:
Trichorhinophalangeal syndrome, type III (TRPS3). Also called: SUGIO-KAJII SYNDROME. Identifiers: Orphanet 77258, MedGen C1860823, OMIM 190351, MONDO:0008597.
Trichorhinophalangeal dysplasia type I (TRPS1). Also called: TRICHORHINOPHALANGEAL SYNDROME, TYPE I; TRPS I. Identifiers: Orphanet 77258, MedGen C0432233, MONDO:0008596, OMIM 190350.

Submission:

Labcorp Genetics (formerly Invitae), Labcorp
Classification: Pathogenic for Trichorhinophalangeal syndrome, type III; Trichorhinophalangeal dysplasia type I. Last evaluated: 2021-08-25. Review status: criteria provided, single submitter. Criteria: Invitae Variant Classification Sherloc (09022015). Collection method: clinical testing. Allele origin: germline.
Comment: This sequence change creates a premature translational stop signal (p.Lys1083Serfs*3) in the TRPS1 gene. While this is not anticipated to result in nonsense mediated decay, it is expected to disrupt the last 212 amino acid(s) of the TRPS1 protein. This variant is not present in population databases (ExAC no frequency). This variant has not been reported in the literature in individuals affected with TRPS1-related conditions. Algorithms developed to predict the effect of sequence changes on RNA splicing suggest that this variant may create or strengthen a splice site. This variant disrupts a region of the TRPS1 protein in which other variant(s) (p.Thr1215Glnfs*27) have been determined to be pathogenic (PMID: 26113321). This suggests that this is a clinically significant region of the protein, and that variants that disrupt it are likely to be disease-causing. For these reasons, this variant has been classified as Pathogenic.

Literature cited by the submitters: PubMed 26113321.

NM_014112.5(TRPS1):c.3248del (p.Lys1083fs)

Gene: TRPS1 (transcriptional repressor GATA binding 1; minus strand). Cytogenetic location: 8q23.3.
Variant type: Deletion.
Coding change: c.3248del on transcript NM_014112.5 (MANE Select); coding-DNA position 3248, one base deleted (A; older notation c.3248delA).
Protein change: p.Lys1083fs; shifts the reading frame from lysine 1083.
Molecular consequence: frameshift variant.
Genome position (GRCh38, 1-based): chr8:115,414,660, T deleted on the plus strand (A on the coding strand, the reverse complement: TRPS1 is on the minus strand); the first of 4 consecutive T bases (chr8:115,414,660-115,414,663); deleting any one gives the same sequence. VCF-style (leftmost placement, unchanged base first): chr8-115414659-CT-C. GRCh37 (hg19) VCF-style: chr8-116426887-CT-C.
Other names: c.3221del, p.Lys1074fs (NM_001282902.3); c.3227del, p.Lys1076fs (NM_001282903.3); c.3209del, p.Lys1070fs (NM_001330599.2); short protein forms K1074fs, K1070fs, K1076fs, K1083fs.
Identifiers: ClinVar variation 1381794 (VCV001381794.6), dbSNP rs2129749121, ClinGen allele CA2573142807.